The following is an entry in ClinVar:

ClinVar aggregate classification (germline): Pathogenic/Likely pathogenic. Review status: criteria provided, multiple submitters, no conflicts (2 of 4 stars). 4 submissions from 4 submitters: Pathogenic (3); Likely pathogenic (1). Last evaluated 2025-12-20.

Conditions:
Hereditary cancer-predisposing syndrome. Also called: Neoplastic Syndromes, Hereditary; Tumor predisposition; Hereditary Cancer Syndrome; Hereditary neoplastic syndrome. Identifiers: Orphanet 140162, MedGen C0027672, MeSH D009386, MONDO:0015356.
Familial cancer of breast. Also called: BREAST CANCER, FAMILIAL; Hereditary breast cancer; hereditary breast carcinoma. Identifiers: Orphanet 227535, MedGen C0346153, MONDO:0016419, OMIM 114480. Disease mechanism: loss of function.

Allele frequency attached by ClinVar (database versions not stated): gnomAD exomes below 0.00001.
gnomAD v4.1: 2 of 1,614,174 alleles (0.00012%); highest among the groups gnomAD compares: Non-Finnish European, 0.00017%; no homozygotes.

Submissions (4):

Labcorp Genetics (formerly Invitae), Labcorp
Classification: Likely pathogenic for Familial cancer of breast. Last evaluated: 2025-12-20. Review status: criteria provided, single submitter. Criteria: Invitae Variant Classification Sherloc (09022015). Collection method: clinical testing. Allele origin: germline.
Comment: This sequence change creates a premature translational stop signal (p.Lys684*) in the BARD1 gene. While this is not anticipated to result in nonsense mediated decay, it is expected to disrupt the last 94 amino acid(s) of the BARD1 protein. This variant is not present in population databases (gnomAD no frequency). This variant has not been reported in the literature in individuals affected with BARD1-related conditions. ClinVar contains an entry for this variant (Variation ID: 820590). This variant disrupts the C-terminal BRCT domain of BARD1 protein, which is required for chromosome stability and homology-directed repair (PMID: 17848578). A different variant (p.Val767fs) that lies downstream of this variant has been reported to affect BARD1 protein function (PMID: 30925164), this suggests that disruption of this region of the protein is causative of disease. In summary, the currently available evidence indicates that the variant is pathogenic, but additional data are needed to prove that conclusively. Therefore, this variant has been classified as Likely Pathogenic.

Ambry Genetics
Classification: Pathogenic for Hereditary cancer-predisposing syndrome. Last evaluated: 2025-04-13. Review status: criteria provided, single submitter. Criteria: Ambry Variant Classification Scheme 2023. Collection method: clinical testing. Allele origin: germline.
Comment: The p.K684* pathogenic mutation (also known as c.2050A>T), located in coding exon 11 of the BARD1 gene, results from an A to T substitution at nucleotide position 2050. This changes the amino acid from a lysine to a stop codon within coding exon 11. This alteration occurs at the 3' terminus of the BARD1 gene, is not expected to trigger nonsense-mediated mRNA decay, and only impacts the last 94 amino acids of the protein. However, premature stop codons are typically deleterious in nature and the impacted region is critical for protein function (Ambry internal data). This alteration is located 5' to the BARD1 BRCT protein domain, which has been described as similar to those of the BRCA1 gene, and may be important for ligand binding (Birrane G et al. Biochemistry 2007 Jul; 46(26):7706-12). Further, an additional pathogenic mutation in the BARD1 gene, c.2148_2149delCA, is located 3&rsquo; This variant is considered to be rare based on population cohorts in the Genome Aggregation Database (gnomAD). Based on the supporting evidence, this alteration is interpreted as a disease-causing mutation.

Myriad Genetics, Inc.
Classification: Pathogenic for Familial cancer of breast. Last evaluated: 2023-05-25. Review status: criteria provided, single submitter. Criteria: Myriad Autosomal Dominant, Autosomal Recessive and X-Linked Classification Criteria (2023). Collection method: clinical testing. Allele origin: unknown.
Comment: This variant is considered pathogenic. This variant creates a termination codon and is predicted to result in premature protein truncation.

Color Diagnostics, LLC DBA Color Health
Classification: Pathogenic for Hereditary cancer-predisposing syndrome. Last evaluated: 2023-01-09. Review status: criteria provided, single submitter. Criteria: ACMG Guidelines, 2015. Collection method: clinical testing. Allele origin: germline.
Comment: This variant changes 1 nucleotide in exon 11 of the BARD1 gene, creating a premature translation stop signal at codon 684. The mutant transcript is expected to escape nonsense-mediated decay and be expressed as truncated protein lacking the functional BRCT2 domain (a.a. 667-777) that is critical for BARD1 protein function (PMID: 17848578, 30925164). To our knowledge, this variant has not been reported in individuals affected with BARD1-related disorders in the literature. This variant has been identified in 1/251172 chromosomes in the general population by the Genome Aggregation Database (gnomAD). Loss of BARD1 function is a known mechanism of disease. Based on the available evidence, this variant is classified as Pathogenic.

Literature cited by the submitters: PubMed 17848578 (cited by Labcorp Genetics (formerly Invitae), Labcorp and Color Diagnostics, LLC DBA Color Health); PubMed 30925164 (cited by Labcorp Genetics (formerly Invitae), Labcorp and Color Diagnostics, LLC DBA Color Health).

NM_000465.4(BARD1):c.2050A>T (p.Lys684Ter)

Gene: BARD1 (BRCA1 associated RING domain 1; minus strand). Cytogenetic location: 2q35.
Variant type: single nucleotide variant.
Coding change: c.2050A>T on transcript NM_000465.4 (MANE Select); coding-DNA position 2050, A replaced by T.
Protein change: p.Lys684Ter; replaces lysine 684 with a stop codon.
Molecular consequence: nonsense. On other transcripts: non-coding transcript variant (3).
Genome position (GRCh38, 1-based): chr2:214,728,960, T>A on the plus strand (A>T on the coding strand, the complement: BARD1 is on the minus strand). VCF-style: chr2-214728960-T-A. GRCh37 (hg19) VCF-style: chr2-215593684-T-A.
Other names: c.1993A>T, p.Lys665Ter (NM_001282543.2); c.697A>T, p.Lys233Ter (NM_001282545.2); c.640A>T, p.Lys214Ter (NM_001282548.2); c.511A>T, p.Lys171Ter (NM_001282549.2); short protein forms K665*, K684*, K171*, K214*, K233*.
Identifiers: ClinVar variation 820590 (VCV000820590.19), dbSNP rs1559372578, ClinGen allele CA350450722.